The following is an entry in ClinVar:

NM_001142800.2(EYS):c.1442G>A (p.Trp481Ter)

Gene: EYS (EGF-like photoreceptor maintenance factor; minus strand). Cytogenetic location: 6q12.
Variant type: single nucleotide variant.
Coding change: c.1442G>A on transcript NM_001142800.2 (MANE Select); coding-DNA position 1442, G replaced by A.
Protein change: p.Trp481Ter; replaces tryptophan 481 with a stop codon.
Molecular consequence: nonsense.
Genome position (GRCh38, 1-based): chr6:65,353,475, C>T on the plus strand (G>A on the coding strand, the complement: EYS is on the minus strand). VCF-style: chr6-65353475-C-T. GRCh37 (hg19) VCF-style: chr6-66063368-C-T.
Other names: c.1442G>A (NM_001142800.1); c.1442G>A, p.Trp481Ter (NM_001142801.2, NM_001292009.2, NM_198283.2); short protein forms W481*.
Identifiers: ClinVar variation 2097254 (VCV002097254.8), dbSNP rs2533202515, ClinGen allele CA364661638.
Genomic context (GRCh38, chr6:65,353,475, plus strand): 5'-AAATGATTCAAGCAGATTGAAAAAAATTACATAAATTTGTTACCTGCAAATCCCAATTGC[C>T]ACACATATTCAAATTGAGCAGGACCTTTATCTTGGCAAATACCATGGAAGGTGACTCCAC-3'

ClinVar aggregate classification (germline): Pathogenic/Likely pathogenic. Review status: criteria provided, multiple submitters, no conflicts (2 of 4 stars). 5 submissions from 5 submitters: Pathogenic (3); Likely pathogenic (1). 1 of the submissions does not count toward it. Last evaluated 2025-08-04.

Conditions:
Retinal dystrophy. Also called: Inherited retinal dystrophy. Identifiers: Orphanet 71862, MedGen C0854723, MeSH D058499, MONDO:0019118, HP:0000556.
Retinitis pigmentosa 25 (RP25). Identifiers: Orphanet 791, MedGen C1864446, MONDO:0011272, OMIM 602772.

Submissions (5):

3billion
Classification: Pathogenic for Retinitis pigmentosa 25. Last evaluated: 2025-08-04. Review status: criteria provided, single submitter. Criteria: ACMG Guidelines, 2015. Collection method: clinical testing. Allele origin: germline. Affected: yes.
Comment: The variant is not observed in the gnomAD v4.1.0 dataset. Predicted Consequence/Location: Stop-gained (nonsense): predicted to result in a loss or disruption of normal protein function through nonsense-mediated decay (NMD) or protein truncation. Multiple pathogenic variants are reported downstream of the variant. The variant has been reported at least twice as pathogenic without evidence for the classification (ClinVar ID: VCV002097254 /PMID: 38465142). Therefore, this variant is classified as Pathogenic according to the recommendation of ACMG/AMP guideline.

Natera, Inc.
Classification: Pathogenic for Retinitis pigmentosa type 25. Last evaluated: 2024-08-22. Review status: criteria provided, single submitter. Criteria: Natera Variant Classification Schema (03/2026). Collection method: clinical testing. Allele origin: germline.
Comment: The c.1442G>A variant in EYS is a nonsense variant predicted to introduce a stop codon at amino acid 481. This variant is expected to result in nonsense mediated decay, truncation, or a dysfunctional protein product. This variant is rare in the general population with a frequency below the threshold expected for the associated phenotype(s). This variant has been observed in one or more individuals affected with the associated recessive disease, as either homozygous or compound heterozygous with a second variant (PMID: 38465142). Given the available evidence, this variant is classified as Pathogenic.

Fulgent Genetics
Classification: Likely pathogenic for Retinitis pigmentosa 25. Last evaluated: 2024-03-25. Review status: criteria provided, single submitter. Criteria: ACMG Guidelines, 2015. Collection method: clinical testing. Allele origin: germline.

Labcorp Genetics (formerly Invitae), Labcorp
Classification: Pathogenic. Last evaluated: 2022-02-12. Review status: criteria provided, single submitter. Criteria: Invitae Variant Classification Sherloc (09022015). Collection method: clinical testing. Allele origin: germline.
Comment: This variant is not present in population databases (gnomAD no frequency). For these reasons, this variant has been classified as Pathogenic. Algorithms developed to predict the effect of sequence changes on RNA splicing suggest that this variant may create or strengthen a splice site. This variant has not been reported in the literature in individuals affected with EYS-related conditions. This sequence change creates a premature translational stop signal (p.Trp481*) in the EYS gene. It is expected to result in an absent or disrupted protein product. Loss-of-function variants in EYS are known to be pathogenic (PMID: 18836446, 20333770).

Institute of Human Genetics, Univ. Regensburg, Univ. Regensburg
Classification: Pathogenic for Retinal dystrophy. Last evaluated: 2020-01-01. Review status: no assertion criteria provided. Criteria: ACMG Guidelines, 2015. Collection method: clinical testing. Allele origin: germline. Affected: yes. Not counted in ClinVar's aggregate classification.

Literature cited by the submitters: PubMed 38465142 (cited by 3billion and Natera, Inc.); PubMed 18836446 (cited by Labcorp Genetics (formerly Invitae), Labcorp); PubMed 20333770 (cited by Labcorp Genetics (formerly Invitae), Labcorp).